The following is an entry in ClinVar:

NM_000219.6(KCNE1):c.110G>A (p.Ser37Asn)

Gene: KCNE1 (potassium voltage-gated channel subfamily E regulatory subunit 1; minus strand). Cytogenetic location: 21q22.12.
Variant type: single nucleotide variant.
Coding change: c.110G>A on transcript NM_000219.6 (MANE Select); coding-DNA position 110, G replaced by A.
Protein change: p.Ser37Asn; replaces serine 37 with asparagine.
Molecular consequence: missense variant.
Genome position (GRCh38, 1-based): chr21:34,449,525, C>T on the plus strand (G>A on the coding strand, the complement: KCNE1 is on the minus strand). VCF-style: chr21-34449525-C-T. GRCh37 (hg19) VCF-style: chr21-35821823-C-T.
Other names: c.110G>A, p.Ser37Asn (NM_001127668.4, NM_001127669.4, NM_001127670.4 and 4 more transcripts); c.110G>A (NM_001127670.3); short protein forms S37N.
Identifiers: ClinVar variation 664862 (VCV000664862.12), dbSNP rs1290531137, ClinGen allele CA410198465.
Genomic context (GRCh38, chr21:34,449,525, plus strand): 5'-AAGAAGCCGAAGAATCCCAGTACCATGAGGACGTAGAGGGCCTCCAGCTTGCCGTCACTG[C>T]TGCGGGGGGACCTGCGGGCCAGGCCCGACATGTTGCCACCCTGCTGAACTGTCTCCTGCC-3'
Protein context (NP_000210.2, residues 27-47): MSGLARRSPR[Ser37Asn]SDGKLEALYV

ClinVar aggregate classification (germline): Uncertain significance. Review status: criteria provided, multiple submitters, no conflicts (2 of 4 stars). 2 submissions from 2 submitters: Uncertain significance (2). Last evaluated 2026-09-21.

Conditions:
Long QT syndrome (LQTS). Identifiers: MedGen C0023976, MeSH D008133, MONDO:0002442. Disease mechanism: loss of function. Inheritance: Various modes of inheritance.
Cardiovascular phenotype. Identifiers: MedGen CN230736.

Allele frequency attached by ClinVar (database versions not stated): gnomAD exomes below 0.00001.

Submissions (3):

Molecular Diagnostic Laboratory for Inherited Cardiovascular Disease, Montreal Heart Institute
Classification: Uncertain significance for Cardiovascular phenotype. Last evaluated: 2026-09-21. Review status: criteria provided, single submitter. Criteria: ACMG Guidelines, 2015. Collection method: clinical testing. Allele origin: germline. Affected: yes.
Comment: PS3_supp, PM2, BP4

Labcorp Genetics (formerly Invitae), Labcorp
Classification: Uncertain significance for Long QT syndrome. Last evaluated: 2024-05-12. Review status: criteria provided, single submitter. Criteria: Invitae Variant Classification Sherloc (09022015). Collection method: clinical testing. Allele origin: germline.
Comment: This sequence change replaces serine, which is neutral and polar, with asparagine, which is neutral and polar, at codon 37 of the KCNE1 protein (p.Ser37Asn). The frequency data for this variant in the population databases is considered unreliable, as metrics indicate poor data quality at this position in the gnomAD database. This variant has not been reported in the literature in individuals affected with KCNE1-related conditions. ClinVar contains an entry for this variant (Variation ID: 664862). Advanced modeling of protein sequence and biophysical properties (such as structural, functional, and spatial information, amino acid conservation, physicochemical variation, residue mobility, and thermodynamic stability) performed at Invitae indicates that this missense variant is not expected to disrupt KCNE1 protein function with a negative predictive value of 95%. In summary, the available evidence is currently insufficient to determine the role of this variant in disease. Therefore, it has been classified as a Variant of Uncertain Significance.

Roden Lab, Vanderbilt University Medical Center
No classification provided (evidence only). Condition: Long QT syndrome 5. Review status: no classification provided. Collection method: in vitro. Allele origin: not applicable. Functional consequence: Effect on ion channel function. Not counted in ClinVar's aggregate classification.
ClinVar note: "not provided" was previously submitted as the classification for the variant. However, the classification appeared to be based only on an observation of functional data so it was converted to no classification on 2025-07-30.